The following is an entry in ClinVar:

ClinVar aggregate classification (germline): Uncertain significance (1 of 4 stars; one submission).

Allele frequency attached by ClinVar (database versions not stated): gnomAD exomes below 0.00001.

Submission:

Labcorp Genetics (formerly Invitae), Labcorp
Classification: Uncertain significance. Last evaluated: 2025-05-13. Review status: criteria provided, single submitter. Criteria: Invitae Variant Classification Sherloc (09022015). Collection method: clinical testing. Allele origin: germline.
Comment: This sequence change replaces leucine, which is neutral and non-polar, with proline, which is neutral and non-polar, at codon 677 of the C7 protein (p.Leu677Pro). This variant is not present in population databases (gnomAD no frequency). This variant has not been reported in the literature in individuals affected with C7-related conditions. ClinVar contains an entry for this variant (Variation ID: 1022929). Invitae Evidence Modeling of protein sequence and biophysical properties (such as structural, functional, and spatial information, amino acid conservation, physicochemical variation, residue mobility, and thermodynamic stability) indicates that this missense variant is expected to disrupt C7 protein function with a positive predictive value of 80%. In summary, the available evidence is currently insufficient to determine the role of this variant in disease. Therefore, it has been classified as a Variant of Uncertain Significance.

NM_000587.4(C7):c.2030T>C (p.Leu677Pro)

Gene: C7 (complement C7; plus strand). Cytogenetic location: 5p13.1.
Variant type: single nucleotide variant.
Coding change: c.2030T>C on transcript NM_000587.4 (MANE Select); coding-DNA position 2030, T replaced by C.
Protein change: p.Leu677Pro; replaces leucine 677 with proline.
Molecular consequence: missense variant.
Genome position (GRCh38, 1-based): chr5:40,972,550, T>C. VCF-style: chr5-40972550-T-C. GRCh37 (hg19) VCF-style: chr5-40972652-T-C.
Other names: short protein forms L677P.
Identifiers: ClinVar variation 1022929 (VCV001022929.8), dbSNP rs374483929, ClinGen allele CA359593594.